The following is an entry in ClinVar:

ClinVar aggregate classification (germline): Uncertain significance. Review status: criteria provided, multiple submitters, no conflicts (2 of 4 stars). 3 submissions from 3 submitters: Uncertain significance (3). Last evaluated 2025-06-02.

Conditions:
Hereditary cancer-predisposing syndrome. Also called: Neoplastic Syndromes, Hereditary; Hereditary neoplastic syndrome; Tumor predisposition; Hereditary Cancer Syndrome. Identifiers: Orphanet 140162, MedGen C0027672, MeSH D009386, MONDO:0015356.
Tuberous sclerosis 2 (TSC2). Identifiers: Orphanet 805, MedGen C1860707, MONDO:0013199, OMIM 613254.

Allele frequency attached by ClinVar (database versions not stated): gnomAD exomes below 0.00001; gnomAD 0.00001; TOPMed 0.00002.
gnomAD v4.1: 3 of 1,613,376 alleles (0.00019%); highest among the groups gnomAD compares: African/African-American, 0.0013%; no homozygotes.

Submissions (3):

Ambry Genetics
Classification: Uncertain significance for Hereditary cancer-predisposing syndrome. Last evaluated: 2025-06-02. Review status: criteria provided, single submitter. Criteria: Ambry Variant Classification Scheme 2023. Collection method: clinical testing. Allele origin: germline.
Comment: The p.A935T variant (also known as c.2803G>A), located in coding exon 24 of the TSC2 gene, results from a G to A substitution at nucleotide position 2803. The alanine at codon 935 is replaced by threonine, an amino acid with similar properties. This amino acid position is conserved. In addition, this alteration is predicted to be deleterious by in silico analysis. Since supporting evidence is limited at this time, the clinical significance of this alteration remains unclear.

Labcorp Genetics (formerly Invitae), Labcorp
Classification: Uncertain significance for Tuberous sclerosis 2. Last evaluated: 2024-06-04. Review status: criteria provided, single submitter. Criteria: Invitae Variant Classification Sherloc (09022015). Collection method: clinical testing. Allele origin: germline.
Comment: This sequence change replaces alanine, which is neutral and non-polar, with threonine, which is neutral and polar, at codon 935 of the TSC2 protein (p.Ala935Thr). This variant is not present in population databases (gnomAD no frequency). This variant has not been reported in the literature in individuals affected with TSC2-related conditions. ClinVar contains an entry for this variant (Variation ID: 843209). Advanced modeling of protein sequence and biophysical properties (such as structural, functional, and spatial information, amino acid conservation, physicochemical variation, residue mobility, and thermodynamic stability) performed at Invitae indicates that this missense variant is not expected to disrupt TSC2 protein function with a negative predictive value of 95%. In summary, the available evidence is currently insufficient to determine the role of this variant in disease. Therefore, it has been classified as a Variant of Uncertain Significance.

Sema4
Classification: Uncertain significance for Hereditary cancer-predisposing syndrome. Last evaluated: 2021-11-27. Review status: criteria provided, single submitter. Criteria: Sema4 Curation Guidelines. Collection method: curation. Allele origin: germline.
Comment: The TSC2 c.2803G>A (p.A935T) variant has not been reported in the literature to our knowledge. It was not observed in the large and broad cohorts of the Genome Aggregation Database (PMID: 32461654). This variant has been reported in ClinVar (Variation ID 843209). Functional studies have not been performed, and in silico predictions of the variant's effect on protein function are inconclusive. The evidence is insufficient to meet ACMG/AMP criteria for classifying the variant as benign or pathogenic. Thus, the clinical significance of this variant is currently uncertain.

NM_000548.5(TSC2):c.2803G>A (p.Ala935Thr)

Gene: TSC2 (TSC complex subunit 2; plus strand). Cytogenetic location: 16p13.3.
Variant type: single nucleotide variant.
Coding change: c.2803G>A on transcript NM_000548.5 (MANE Select); coding-DNA position 2803, G replaced by A.
Protein change: p.Ala935Thr; replaces alanine 935 with threonine.
Molecular consequence: missense variant.
Genome position (GRCh38, 1-based): chr16:2,076,551, G>A. VCF-style: chr16-2076551-G-A. GRCh37 (hg19) VCF-style: chr16-2126552-G-A.
Other names: c.2803G>A, p.Ala935Thr (NM_001077183.3, NM_001114382.3, NM_001363528.2 and 3 more transcripts); c.2692G>A, p.Ala898Thr (NM_001318827.2); c.2656G>A, p.Ala886Thr (NM_001318829.2); c.2203G>A, p.Ala735Thr (NM_001318831.2); c.2836G>A, p.Ala946Thr (NM_001318832.2); short protein forms A946T, A735T, A898T, A935T, A886T.
Identifiers: ClinVar variation 843209 (VCV000843209.13), dbSNP rs979456797, ClinGen allele CA276742120.